The following is an entry in ClinVar:

ClinVar aggregate classification (germline): Uncertain significance. Review status: criteria provided, multiple submitters, no conflicts (2 of 4 stars). 2 submissions from 2 submitters: Uncertain significance (2). Last evaluated 2025-08-25.

Conditions:
Charcot-Marie-Tooth disease axonal type 2O. Also called: CHARCOT-MARIE-TOOTH NEUROPATHY, AXONAL, TYPE 2O; CHARCOT-MARIE-TOOTH DISEASE, AXONAL, AUTOSOMAL DOMINANT, TYPE 2O; Charcot-Marie-Tooth disease, axonal, type 20; Charcot-Marie-Tooth Neuropathy Type 2O. Identifiers: Orphanet 284232, MedGen C3280220, MONDO:0013644, OMIM 614228.

Allele frequency attached by ClinVar (database versions not stated): gnomAD exomes below 0.00001; TOPMed 0.00001.

Submissions (2):

Labcorp Genetics (formerly Invitae), Labcorp
Classification: Uncertain significance for Charcot-Marie-Tooth disease axonal type 2O. Last evaluated: 2025-08-25. Review status: criteria provided, single submitter. Criteria: Invitae Variant Classification Sherloc (09022015). Collection method: clinical testing. Allele origin: germline.
Comment: This sequence change replaces aspartic acid, which is acidic and polar, with asparagine, which is neutral and polar, at codon 4481 of the DYNC1H1 protein (p.Asp4481Asn). This variant is not present in population databases (gnomAD no frequency). This variant has not been reported in the literature in individuals affected with DYNC1H1-related conditions. ClinVar contains an entry for this variant (Variation ID: 577363). Invitae Evidence Modeling of protein sequence and biophysical properties (such as structural, functional, and spatial information, amino acid conservation, physicochemical variation, residue mobility, and thermodynamic stability) indicates that this missense variant is not expected to disrupt DYNC1H1 protein function with a negative predictive value of 95%. In summary, the available evidence is currently insufficient to determine the role of this variant in disease. Therefore, it has been classified as a Variant of Uncertain Significance.

GeneDx
Classification: Uncertain significance. Last evaluated: 2023-05-25. Review status: criteria provided, single submitter. Criteria: GeneDx Variant Classification Process June 2021. Collection method: clinical testing. Allele origin: germline. Affected: yes.
Comment: Not observed at significant frequency in large population cohorts (gnomAD); In silico analysis supports that this missense variant has a deleterious effect on protein structure/function; Has not been previously published as pathogenic or benign to our knowledge; This variant is associated with the following publications: (PMID: 27535533, 26100331, 25609763, 25512093)

NM_001376.5(DYNC1H1):c.13441G>A (p.Asp4481Asn)

Gene: DYNC1H1 (dynein cytoplasmic 1 heavy chain 1; plus strand). Cytogenetic location: 14q32.31.
Variant type: single nucleotide variant.
Coding change: c.13441G>A on transcript NM_001376.5 (MANE Select); coding-DNA position 13441, G replaced by A.
Protein change: p.Asp4481Asn; replaces aspartic acid 4481 with asparagine.
Molecular consequence: missense variant.
Genome position (GRCh38, 1-based): chr14:102,049,508, G>A. VCF-style: chr14-102049508-G-A. GRCh37 (hg19) VCF-style: chr14-102515845-G-A.
Other names: short protein forms D4481N.
Identifiers: ClinVar variation 577363 (VCV000577363.7), dbSNP rs1243385324, ClinGen allele CA391049304.